The following is an entry in ClinVar:

NM_024642.5(GALNT12):c.224T>G (p.Leu75Arg)

Gene: GALNT12 (polypeptide N-acetylgalactosaminyltransferase 12; plus strand). Cytogenetic location: 9q22.33.
Variant type: single nucleotide variant.
Coding change: c.224T>G on transcript NM_024642.5 (MANE Select); coding-DNA position 224, T replaced by G.
Protein change: p.Leu75Arg; replaces leucine 75 with arginine.
Molecular consequence: missense variant.
Genome position (GRCh38, 1-based): chr9:98,807,922, T>G. VCF-style: chr9-98807922-T-G. GRCh37 (hg19) VCF-style: chr9-101570204-T-G.
Other names: short protein forms L75R.
Identifiers: ClinVar variation 1056957 (VCV001056957.15), dbSNP rs1835413080, ClinGen allele CA374222559.

ClinVar aggregate classification (germline): Uncertain significance. Review status: criteria provided, multiple submitters, no conflicts (2 of 4 stars). 3 submissions from 3 submitters: Uncertain significance (3). Last evaluated 2025-10-15.

Allele frequency attached by ClinVar (database versions not stated): gnomAD exomes below 0.00001; TOPMed below 0.00001; gnomAD 0.00001.
gnomAD v4.1: 2 of 1,241,090 alleles (0.00016%); highest among the groups gnomAD compares: Non-Finnish European, 0.0002%; no homozygotes.

Submissions (3):

Ambry Genetics
Classification: Uncertain significance. Last evaluated: 2025-10-15. Review status: criteria provided, single submitter. Criteria: Ambry Variant Classification Scheme 2023. Collection method: clinical testing. Allele origin: germline.
Comment: The p.L75R variant (also known as c.224T>G), located in coding exon 1 of the GALNT12 gene, results from a T to G substitution at nucleotide position 224. The leucine at codon 75 is replaced by arginine, an amino acid with dissimilar properties. This amino acid position is well conserved in available vertebrate species. In addition, this alteration is predicted to be tolerated by in silico analysis. Since supporting evidence is limited at this time, the clinical significance of this alteration remains unclear.

Labcorp Genetics (formerly Invitae), Labcorp
Classification: Uncertain significance. Last evaluated: 2025-07-03. Review status: criteria provided, single submitter. Criteria: Invitae Variant Classification Sherloc (09022015). Collection method: clinical testing. Allele origin: germline.
Comment: This sequence change replaces leucine, which is neutral and non-polar, with arginine, which is basic and polar, at codon 75 of the GALNT12 protein (p.Leu75Arg). This variant is not present in population databases (gnomAD no frequency). This variant has not been reported in the literature in individuals affected with GALNT12-related conditions. ClinVar contains an entry for this variant (Variation ID: 1056957). Invitae Evidence Modeling of protein sequence and biophysical properties (such as structural, functional, and spatial information, amino acid conservation, physicochemical variation, residue mobility, and thermodynamic stability) indicates that this missense variant is not expected to disrupt GALNT12 protein function with a negative predictive value of 80%. In summary, the available evidence is currently insufficient to determine the role of this variant in disease. Therefore, it has been classified as a Variant of Uncertain Significance.

Quest Diagnostics Nichols Institute San Juan Capistrano
Classification: Uncertain significance. Last evaluated: 2024-03-06. Review status: criteria provided, single submitter. Criteria: Quest Diagnostics criteria. Collection method: clinical testing. Allele origin: unknown.
Comment: The GALNT12 c.224T>G (p.Leu75Arg) variant has not been reported in individuals with GALNT12-related conditions in the published literature. It also has not been reported in large, multi-ethnic general populations (Genome Aggregation Database). Analysis of this variant using bioinformatics tools for the prediction of the effect of amino acid changes on protein structure and function yielded predictions that this variant is benign. Based on the available information, we are unable to determine the clinical significance of this variant.